The following is an entry in ClinVar:

NM_001384732.1(CPLANE1):c.4895C>G (p.Ser1632Cys)

Gene: CPLANE1 (ciliogenesis and planar polarity effector complex subunit 1; minus strand). Cytogenetic location: 5p13.2.
Variant type: single nucleotide variant.
Coding change: c.4895C>G on transcript NM_001384732.1 (MANE Select); coding-DNA position 4895, C replaced by G.
Protein change: p.Ser1632Cys; replaces serine 1632 with cysteine.
Molecular consequence: missense variant.
Genome position (GRCh38, 1-based): chr5:37,183,286, G>C on the plus strand (C>G on the coding strand, the complement: CPLANE1 is on the minus strand). VCF-style: chr5-37183286-G-C. GRCh37 (hg19) VCF-style: chr5-37183388-G-C.
Other names: c.4895C>G, p.Ser1632Cys (NM_023073.4); c.4895C>G (NM_023073.3); short protein forms S1632C.
Identifiers: ClinVar variation 2160662 (VCV002160662.5), dbSNP rs2547831052, ClinGen allele CA359495381.

ClinVar aggregate classification (germline): Uncertain significance. Review status: criteria provided, multiple submitters, no conflicts (2 of 4 stars). 2 submissions from 2 submitters: Uncertain significance (2). Last evaluated 2025-07-11.

Submissions (2):

GeneDx
Classification: Uncertain significance. Last evaluated: 2025-07-11. Review status: criteria provided, single submitter. Criteria: GeneDx Variant Classification Process June 2021. Collection method: clinical testing. Allele origin: germline. Affected: yes.
Comment: Not observed at significant frequency in large population cohorts (gnomAD); In silico analysis suggests that this missense variant does not alter protein structure/function; Has not been previously published as pathogenic or benign to our knowledge

Labcorp Genetics (formerly Invitae), Labcorp
Classification: Uncertain significance. Last evaluated: 2024-01-02. Review status: criteria provided, single submitter. Criteria: Invitae Variant Classification Sherloc (09022015). Collection method: clinical testing. Allele origin: germline.
Comment: This sequence change replaces serine, which is neutral and polar, with cysteine, which is neutral and slightly polar, at codon 1632 of the CPLANE1 protein (p.Ser1632Cys). This variant is not present in population databases (gnomAD no frequency). This variant has not been reported in the literature in individuals affected with CPLANE1-related conditions. ClinVar contains an entry for this variant (Variation ID: 2160662). Advanced modeling of protein sequence and biophysical properties (such as structural, functional, and spatial information, amino acid conservation, physicochemical variation, residue mobility, and thermodynamic stability) performed at Invitae indicates that this missense variant is not expected to disrupt CPLANE1 protein function with a negative predictive value of 95%. In summary, the available evidence is currently insufficient to determine the role of this variant in disease. Therefore, it has been classified as a Variant of Uncertain Significance.